The following is an entry in ClinVar:

NM_017784.5(OSBPL10):c.64A>G (p.Ser22Gly)

Gene: OSBPL10 (oxysterol binding protein like 10; minus strand). Cytogenetic location: 3p23.
Variant type: single nucleotide variant.
Coding change: c.64A>G on transcript NM_017784.5 (MANE Select); coding-DNA position 64, A replaced by G.
Protein change: p.Ser22Gly; replaces serine 22 with glycine.
Molecular consequence: missense variant.
Genome position (GRCh38, 1-based): chr3:31,981,116, T>C on the plus strand (A>G on the coding strand, the complement: OSBPL10 is on the minus strand). VCF-style: chr3-31981116-T-C. GRCh37 (hg19) VCF-style: chr3-32022608-T-C.
Other names: c.64A>G, p.Ser22Gly (NM_001174060.2); short protein forms S22G.
Identifiers: ClinVar variation 3207030 (VCV003207030.1), dbSNP rs1339542837, ClinGen allele CA351973199.
Genomic context (GRCh38, chr3:31,981,116, plus strand): 5'-TGGAGACCCCCCGGCCCGCCAGAGAGCAGGAGGGCGAGGAGCCCGCCGAGGTAGCACGGC[T>C]GCTGCTGCGGCTGCTGCTGTTGCTACCCCCGCCGCCGTCTGTGCCCTGGACTGCCCTCTC-3'
Protein context (NP_060254.2, residues 12-32): GGSNSSSRSS[Ser22Gly]RATSAGSSPS

ClinVar aggregate classification (germline): Uncertain significance (1 of 4 stars; one submission).

Allele frequency attached by ClinVar (database versions not stated): gnomAD exomes below 0.00001; gnomAD 0.00001; TOPMed 0.00001.
gnomAD v4.1: 4 of 1,492,686 alleles (0.00027%); highest among the groups gnomAD compares: East Asian, 0.012%; no homozygotes.

Submission:

Ambry Genetics
Classification: Uncertain significance. Last evaluated: 2023-11-15. Review status: criteria provided, single submitter. Criteria: Ambry Variant Classification Scheme 2023. Collection method: clinical testing. Allele origin: germline.
Comment: Does not currently meet published gene-disease clinical validity criteria Based on insufficient or conflicting evidence, the clinical significance of this alteration remains unclear.

Literature cited by the submitters: PubMed 28106320.